The following is an entry in ClinVar:

ClinVar aggregate classification (germline): Uncertain significance (1 of 4 stars; one submission).

gnomAD v4.1: 1 of 1,209,215 alleles (0.000083%); highest among the groups gnomAD compares: Non-Finnish European, 0.00011%; no homozygotes.

Submission:

GeneDx
Classification: Uncertain significance. Last evaluated: 2025-07-16. Review status: criteria provided, single submitter. Criteria: GeneDx Variant Classification Process June 2021. Collection method: clinical testing. Allele origin: germline. Affected: yes.
Comment: Not observed at significant frequency in large population cohorts (gnomAD); In silico analysis suggests that this missense variant does not alter protein structure/function; Has not been previously published as pathogenic or benign to our knowledge

NM_001379451.1(BCORL1):c.2021G>A (p.Gly674Asp)

Gene: BCORL1 (BCL6 corepressor like 1; plus strand). Cytogenetic location: Xq26.1.
Variant type: single nucleotide variant.
Coding change: c.2021G>A on transcript NM_001379451.1 (MANE Select); coding-DNA position 2021, G replaced by A.
Protein change: p.Gly674Asp; replaces glycine 674 with aspartic acid.
Molecular consequence: missense variant.
Genome position (GRCh38, 1-based): chrX:130,014,793, G>A. VCF-style: chrX-130014793-G-A. GRCh37 (hg19) VCF-style: chrX-129148769-G-A.
Other names: c.2021G>A, p.Gly674Asp (NM_001184772.3, NM_001379450.1, NM_001441326.1 and 7 more transcripts); short protein forms G674D.
Identifiers: ClinVar variation 4686309 (VCV004686309.1).
Genomic context (GRCh38, chrX:130,014,793, plus strand): 5'-GCAAGGCCCTCCTCTCCACAGTCCTGTCTAGGTCTCAGCGCACAACCCAGGCTGCCGGTG[G>A]CAATGTCACCTCCTGCCTGGGCTCCACTTCCTCGCCCTTTGTCATCTTTCCCGAGATCGT-3'
Protein context (NP_001366380.1, residues 664-684): RSQRTTQAAG[Gly674Asp]NVTSCLGSTS